The following is an entry in ClinVar:

ClinVar aggregate classification (germline): Uncertain significance (1 of 4 stars; one submission).

Conditions:
Hepatic veno-occlusive disease-immunodeficiency syndrome. Also called: Hepatic Veno-Occlusive Disease with Immunodeficiency. Identifiers: Orphanet 79124, MedGen C1856128, MONDO:0009338, OMIM 235550. Disease mechanism: loss of function.

Allele frequency attached by ClinVar (database versions not stated): gnomAD exomes below 0.00001; gnomAD 0.00002; TOPMed 0.00002.
gnomAD v4.1: 10 of 1,613,894 alleles (0.00062%); highest among the groups gnomAD compares: Non-Finnish European, 0.00085%; no homozygotes.

Submission:

Labcorp Genetics (formerly Invitae), Labcorp
Classification: Uncertain significance for Hepatic veno-occlusive disease-immunodeficiency syndrome. Last evaluated: 2023-08-02. Review status: criteria provided, single submitter. Criteria: Invitae Variant Classification Sherloc (09022015). Collection method: clinical testing. Allele origin: germline.
Comment: In summary, the available evidence is currently insufficient to determine the role of this variant in disease. Therefore, it has been classified as a Variant of Uncertain Significance. Variants that disrupt the consensus splice site are a relatively common cause of aberrant splicing (PMID: 17576681, 9536098). Algorithms developed to predict the effect of sequence changes on RNA splicing suggest that this variant is not likely to affect RNA splicing. ClinVar contains an entry for this variant (Variation ID: 969975). This variant has not been reported in the literature in individuals affected with SP110-related conditions. This variant is present in population databases (rs200606484, gnomAD 0.0009%). This sequence change falls in intron 8 of the SP110 gene. It does not directly change the encoded amino acid sequence of the SP110 protein. It affects a nucleotide within the consensus splice site.

Literature cited by the submitters: PubMed 17576681; PubMed 9536098.

NM_080424.4(SP110):c.899-3C>T

Genes: SP140 (SP140 nuclear body protein; plus strand), SP110 (SP110 nuclear body protein; minus strand). Cytogenetic location: 2q37.1.
Variant type: single nucleotide variant.
Coding change: c.899-3C>T on transcript NM_080424.4 (MANE Select); 3 bases into the intron before coding-DNA position 899, C replaced by T.
Molecular consequence: intron variant.
Genome position (GRCh38, 1-based): chr2:230,202,731, G>A on the plus strand (C>T on the coding strand, the complement: SP110 is on the minus strand). VCF-style: chr2-230202731-G-A. GRCh37 (hg19) VCF-style: chr2-231067447-G-A.
Other names: c.917-3C>T (NM_001378446.1, NM_001378445.1, NM_001378442.1 and 2 more transcripts); c.899-3C>T (NM_004509.5, NM_001378443.1, NM_004510.4); c.899-1766C>T (NM_001378447.1).
Identifiers: ClinVar variation 969975 (VCV000969975.6), dbSNP rs200606484, ClinGen allele CA66756797.